The following is an entry in ClinVar:

ClinVar aggregate classification (germline): Uncertain significance (1 of 4 stars; one submission).

Allele frequency attached by ClinVar (database versions not stated): gnomAD exomes below 0.00001.
gnomAD v4.1: 1 of 1,609,586 alleles (0.000062%); highest among the groups gnomAD compares: Non-Finnish European, 0.000085%; no homozygotes.

Submission:

Labcorp Genetics (formerly Invitae), Labcorp
Classification: Uncertain significance. Last evaluated: 2023-09-20. Review status: criteria provided, single submitter. Criteria: Invitae Variant Classification Sherloc (09022015). Collection method: clinical testing. Allele origin: germline.
Comment: In summary, the available evidence is currently insufficient to determine the role of this variant in disease. Therefore, it has been classified as a Variant of Uncertain Significance. Advanced modeling of protein sequence and biophysical properties (such as structural, functional, and spatial information, amino acid conservation, physicochemical variation, residue mobility, and thermodynamic stability) performed at Invitae indicates that this missense variant is not expected to disrupt VARS2 protein function. This variant has not been reported in the literature in individuals affected with VARS2-related conditions. This variant is not present in population databases (gnomAD no frequency). This sequence change replaces glutamic acid, which is acidic and polar, with alanine, which is neutral and non-polar, at codon 591 of the VARS2 protein (p.Glu591Ala).

NM_020442.6(VARS2):c.1682A>C (p.Glu561Ala)

Gene: VARS2 (valyl-tRNA synthetase 2, mitochondrial; plus strand). Cytogenetic location: 6p21.33.
Variant type: single nucleotide variant.
Coding change: c.1682A>C on transcript NM_020442.6 (MANE Select); coding-DNA position 1682, A replaced by C.
Protein change: p.Glu561Ala; replaces glutamic acid 561 with alanine.
Molecular consequence: missense variant.
Genome position (GRCh38, 1-based): chr6:30,921,638, A>C. VCF-style: chr6-30921638-A-C. GRCh37 (hg19) VCF-style: chr6-30889415-A-C.
Other names: c.1262A>C, p.Glu421Ala (NM_001167733.3); c.1772A>C, p.Glu591Ala (NM_001167734.2); short protein forms E421A, E561A, E591A.
Identifiers: ClinVar variation 2871169 (VCV002871169.3), dbSNP rs2538663785, ClinGen allele CA363173896.